The following is an entry in ClinVar:

NM_001035.3(RYR2):c.8731G>A (p.Glu2911Lys)

Gene: RYR2 (ryanodine receptor 2; plus strand). Cytogenetic location: 1q43.
Variant type: single nucleotide variant.
Coding change: c.8731G>A on transcript NM_001035.3 (MANE Select); coding-DNA position 8731, G replaced by A.
Protein change: p.Glu2911Lys; replaces glutamic acid 2911 with lysine.
Molecular consequence: missense variant.
Genome position (GRCh38, 1-based): chr1:237,674,747, G>A. VCF-style: chr1-237674747-G-A. GRCh37 (hg19) VCF-style: chr1-237838047-G-A.
Other names: c.8731G>A, p.Glu2911Lys (LRG_402t1); short protein forms E2911K.
Identifiers: ClinVar variation 518479 (VCV000518479.5), dbSNP rs1553277510, ClinGen allele CA345403225.

ClinVar aggregate classification (germline): Uncertain significance (1 of 4 stars; one submission).

Conditions:
Cardiovascular phenotype. Identifiers: MedGen CN230736.

Submission:

Ambry Genetics
Classification: Uncertain significance for Cardiovascular phenotype. Last evaluated: 2017-05-09. Review status: criteria provided, single submitter. Criteria: Ambry Variant Classification Scheme 2023. Collection method: clinical testing. Allele origin: germline.
Comment: The p.E2911K variant (also known as c.8731G>A), located in coding exon 60 of the RYR2 gene, results from a G to A substitution at nucleotide position 8731. The glutamic acid at codon 2911 is replaced by lysine, an amino acid with similar properties. This nucleotide position is highly conserved in available vertebrate species. In addition, the in silico prediction for this alteration is inconclusive. Since supporting evidence is limited at this time, the clinical significance of this alteration remains unclear.